The following is an entry in ClinVar:

NM_000132.4(F8):c.5462C>G (p.Pro1821Arg)

Gene: F8 (coagulation factor VIII; minus strand). Cytogenetic location: Xq28.
Variant type: single nucleotide variant.
Coding change: c.5462C>G on transcript NM_000132.4 (MANE Select); coding-DNA position 5462, C replaced by G.
Protein change: p.Pro1821Arg; replaces proline 1821 with arginine.
Molecular consequence: missense variant.
Genome position (GRCh38, 1-based): chrX:154,904,935, G>C on the plus strand (C>G on the coding strand, the complement: F8 is on the minus strand). VCF-style: chrX-154904935-G-C. GRCh37 (hg19) VCF-style: chrX-154133210-G-C.
Other names: short protein forms P1821R.
Identifiers: ClinVar variation 4995392 (VCV004995392.1).

ClinVar aggregate classification (germline): Uncertain significance (1 of 4 stars; one submission).

Conditions:
F8-related disorder. Also called: F8-related condition.

gnomAD v4.1: 1 of 1,209,842 alleles (0.000083%); highest among the groups gnomAD compares: African/African-American, 0.0017%; no homozygotes.

Submission:

PreventionGenetics, part of Exact Sciences
Classification: Uncertain significance for F8-related condition. Last evaluated: 2025-12-17. Review status: criteria provided, single submitter. Criteria: ACMG Guidelines, 2015. Collection method: clinical testing. Allele origin: germline.
Comment: The F8 c.5462C>G variant is predicted to result in the amino acid substitution p.Pro1821Arg. To our knowledge, this variant has not been reported in the literature. This variant is reported in 0.0076% of alleles in individuals of African descent in gnomAD. At this time, the clinical significance of this variant is uncertain due to the absence of conclusive functional and genetic evidence.